The following is an entry in ClinVar:

NM_015137.6(EFR3A):c.643A>C (p.Ile215Leu)

Gene: EFR3A (EFR3 homolog A; plus strand). Cytogenetic location: 8q24.22.
Variant type: single nucleotide variant.
Coding change: c.643A>C on transcript NM_015137.6 (MANE Select); coding-DNA position 643, A replaced by C.
Protein change: p.Ile215Leu; replaces isoleucine 215 with leucine.
Molecular consequence: missense variant. On other transcripts: non-coding transcript variant (2).
Genome position (GRCh38, 1-based): chr8:131,955,772, A>C. VCF-style: chr8-131955772-A-C. GRCh37 (hg19) VCF-style: chr8-132968019-A-C.
Other names: c.535A>C, p.Ile179Leu (NM_001323553.2, NM_001323554.2, NM_001323555.2 and 2 more transcripts); c.643A>C, p.Ile215Leu (NM_001323558.2); short protein forms I179L, I215L.
Identifiers: ClinVar variation 2636914 (VCV002636914.1), dbSNP rs1268926156, ClinGen allele CA372211425.
Genomic context (GRCh38, chr8:131,955,772, plus strand): 5'-TATTAGAACTGATATTAAAATTCTTGTGTTTTTCTTTATTTCTCGTTCCTTTTTAGTCGC[A>C]TAGGCCCTCCTTCTTCTCCTTCTGCAACTGACAAAGAAGAGAATCCTGCTGTGCTGGCTG-3'
Protein context (NP_055952.2, residues 205-225): MQKIEEVDSR[Ile215Leu]GPPSSPSATD

ClinVar aggregate classification (germline): Uncertain significance (1 of 4 stars; one submission).

Conditions:
EFR3A-related disorder. Also called: EFR3A-related condition.

Allele frequency attached by ClinVar (database versions not stated): gnomAD 0.00001.
gnomAD v4.1: 1 of 1,612,460 alleles (0.000062%); highest among the groups gnomAD compares: South Asian, 0.0011%; no homozygotes.

Submission:

PreventionGenetics, part of Exact Sciences
Classification: Uncertain significance for EFR3A-related condition. Last evaluated: 2023-01-31. Review status: criteria provided, single submitter. Criteria: ACMG Guidelines, 2015. Collection method: clinical testing. Allele origin: germline.
Comment: The EFR3A c.643A>C variant is predicted to result in the amino acid substitution p.Ile215Leu. To our knowledge, this variant has not been reported in the literature. This variant is reported in 0.0% of alleles in individuals of African descent in gnomAD. At this time, the clinical significance of this variant is uncertain due to the absence of conclusive functional and genetic evidence.